The following is an entry in ClinVar:

NM_001099289.3(SH3RF3):c.1760C>A (p.Pro587Gln)

Genes: RANBP2 (RAN binding protein 2; plus strand), SH3RF3 (SH3 domain containing ring finger 3; plus strand). Cytogenetic location: 2q13.
Variant type: single nucleotide variant.
Coding change: c.1760C>A on transcript NM_001099289.3 (MANE Select); coding-DNA position 1760, C replaced by A.
Protein change: p.Pro587Gln; replaces proline 587 with glutamine.
Molecular consequence: missense variant.
Genome position (GRCh38, 1-based): chr2:109,437,078, C>A. VCF-style: chr2-109437078-C-A. GRCh37 (hg19) VCF-style: chr2-110053534-C-A.
Other names: short protein forms P587Q.
Identifiers: ClinVar variation 2393749 (VCV002393749.3), dbSNP rs377357381, ClinGen allele CA1825740.

ClinVar aggregate classification (germline): Uncertain significance (1 of 4 stars; one submission).

Allele frequency attached by ClinVar (database versions not stated): gnomAD exomes 0.00002; ExAC 0.00008; ESP Exome Variant Server 0.00008; gnomAD 0.00017; TOPMed 0.00020; 1000 Genomes Project 0.00040; 1000 Genomes Project 30x 0.00047.
gnomAD v4.1: 58 of 1,613,700 alleles (0.0036%); highest among the groups gnomAD compares: African/African-American, 0.053%; no homozygotes.

Submission:

Ambry Genetics
Classification: Uncertain significance. Last evaluated: 2024-08-27. Review status: criteria provided, single submitter. Criteria: Ambry Variant Classification Scheme 2023. Collection method: clinical testing. Allele origin: germline.
Comment: The c.1760C>A (p.P587Q) alteration is located in exon (coding exon ) of the SH3RF3 gene. This alteration results from a C to A substitution at nucleotide position 1760, causing the proline (P) at amino acid position 587 to be replaced by a glutamine (Q). Based on insufficient or conflicting evidence, the clinical significance of this alteration remains unclear.